The following is an entry in ClinVar:

NM_000334.4(SCN4A):c.4994A>G (p.Asp1665Gly)

Genes: GH-LCR (growth hormone locus control region; plus strand), SCN4A (sodium voltage-gated channel alpha subunit 4; minus strand). Cytogenetic location: 17q23.3.
Variant type: single nucleotide variant.
Coding change: c.4994A>G on transcript NM_000334.4 (MANE Select); coding-DNA position 4994, A replaced by G.
Protein change: p.Asp1665Gly; replaces aspartic acid 1665 with glycine.
Molecular consequence: missense variant.
Genome position (GRCh38, 1-based): chr17:63,941,288, T>C on the plus strand (A>G on the coding strand, the complement: SCN4A is on the minus strand). VCF-style: chr17-63941288-T-C. GRCh37 (hg19) VCF-style: chr17-62018648-T-C.
Other names: short protein forms D1665G.
Identifiers: ClinVar variation 3390576 (VCV003390576.2).

ClinVar aggregate classification (germline): Uncertain significance (1 of 4 stars; one submission).

Submission:

GeneDx
Classification: Uncertain significance. Last evaluated: 2025-06-24. Review status: criteria provided, single submitter. Criteria: GeneDx Variant Classification Process June 2021. Collection method: clinical testing. Allele origin: germline.
Comment: Not observed at significant frequency in large population cohorts (gnomAD); In silico analysis supports that this missense variant has a deleterious effect on protein structure/function; Has not been previously published as pathogenic or benign to our knowledge